The following is an entry in ClinVar:

NC_000020.10:g.(?_60831241)_(62680869_?)dup

Genes: ABHD16B (abhydrolase domain containing 16B; plus strand), ADRM1 (ADRM1 26S proteasome ubiquitin receptor; plus strand), ARFGAP1 (ARF GTPase activating protein 1; plus strand), ARFRP1 (ARF related protein 1; minus strand), BHLHE23 (basic helix-loop-helix family member e23; minus strand) and 47 more. Cytogenetic location: 20q13.33.
Variant type: Duplication.
Identifiers: ClinVar variation 2424333 (VCV002424333.5).

ClinVar aggregate classification (germline): Uncertain significance. Review status: criteria provided, single submitter (1 of 4 stars). 2 submissions from 1 submitter: Uncertain significance (2). Last evaluated 2022-09-30.

Conditions:
Developmental and epileptic encephalopathy, 33 (DEE33). Also called: Epileptic encephalopathy, early infantile, 33. Identifiers: Orphanet 442835, MedGen C4225337, MONDO:0014625, OMIM 616409.
Developmental and epileptic encephalopathy. Identifiers: MedGen C5779964, MONDO:0100620.

Submissions (2):

Labcorp Genetics (formerly Invitae), Labcorp
Classification: Uncertain significance for Developmental and epileptic encephalopathy, 33. Last evaluated: 2022-09-30. Review status: criteria provided, single submitter. Criteria: Invitae Variant Classification Sherloc (09022015). Collection method: clinical testing. Allele origin: germline.
Comment: A copy number gain of the genomic region encompassing the full coding sequence of the EEF1A2 gene has been identified. The boundaries of this event are unknown as they extend beyond the assayed region for this gene and therefore may encompass additional genes. As the precise location of this event is unknown, it may be in tandem or it may be located elsewhere in the genome. Isolated whole-gene copy number gains of EEF1A2 have not been reported in the literature. However, larger copy number events that include this gene have been reported (PMID: 25921748). In summary, the available evidence is currently insufficient to determine the role of this variant in disease. Therefore, it has been classified as a Variant of Uncertain Significance.

Labcorp Genetics (formerly Invitae), Labcorp
Classification: Uncertain significance for Early-infantile DEE. Last evaluated: 2022-09-30. Review status: criteria provided, single submitter. Criteria: Invitae Variant Classification Sherloc (09022015). Collection method: clinical testing. Allele origin: germline.
Comment: A copy number gain of the genomic region encompassing the full coding sequence of the KCNQ2 gene has been identified. The boundaries of this event are unknown as they extend beyond the assayed region for this gene and therefore may encompass additional genes. As the precise location of this event is unknown, it may be in tandem or it may be located elsewhere in the genome. Isolated whole-gene copy number gains of KCNQ2 have not been reported in the literature. However, larger copy number events that include this gene have been reported (PMID: 24811917, 25921748, 30866059). Experimental studies and prediction algorithms are not available or were not evaluated, and the functional significance of this variant is currently unknown. In summary, the available evidence is currently insufficient to determine the role of this variant in disease. Therefore, it has been classified as a Variant of Uncertain Significance.

Literature cited by the submitters: PubMed 25921748; PubMed 24811917; PubMed 30866059.